The following is an entry in ClinVar:

ClinVar aggregate classification (germline): Uncertain significance (1 of 4 stars; one submission).

Allele frequency attached by ClinVar (database versions not stated): ExAC 0.00010; gnomAD 0.00019; TOPMed 0.00019; ESP Exome Variant Server 0.00028; 1000 Genomes Project 30x 0.00042; 1000 Genomes Project 0.00053.
gnomAD v4.1: 54 of 1,201,488 alleles (0.0045%); highest among the groups gnomAD compares: African/African-American, 0.067%; no homozygotes.

Submission:

GeneDx
Classification: Uncertain significance. Last evaluated: 2023-04-27. Review status: criteria provided, single submitter. Criteria: GeneDx Variant Classification Process June 2021. Collection method: clinical testing. Allele origin: germline. Affected: yes.
Comment: In silico analysis supports a deleterious effect on splicing; Has not been previously published as pathogenic or benign to our knowledge

NM_000047.3(ARSL):c.-20-13T>G

Gene: ARSL (arylsulfatase L; minus strand). Cytogenetic location: Xp22.33.
Variant type: single nucleotide variant.
Coding change: c.-20-13T>G on transcript NM_000047.3 (MANE Select); 13 bases into the intron before 20 bases upstream of the start codon, T replaced by G.
Molecular consequence: intron variant.
Genome position (GRCh38, 1-based): chrX:2,960,433, A>C on the plus strand (T>G on the coding strand, the complement: ARSL is on the minus strand). VCF-style: chrX-2960433-A-C. GRCh37 (hg19) VCF-style: chrX-2878474-A-C.
Other names: c.-231-13T>G (NM_001282628.2, NM_001369080.1); c.-20-13T>G (NM_001282631.2); c.8-13T>G (NM_001369079.1).
Identifiers: ClinVar variation 2661929 (VCV002661929.1), dbSNP rs375707500, ClinGen allele CA10338309.
Genomic context (GRCh38, chrX:2,960,433, plus strand): 5'-CTTACCAAGAATGGTGCAGATGTAACATGTTGTCTCTCTCTCTACTTCCTGTAAGACATA[A>C]AGATGTCCACAATCACATTGACAGCAGAAATTGACCTGATTATAAATAAAACAGTAAGTA-3'